The following is an entry in ClinVar:

ClinVar aggregate classification (germline): Uncertain significance (1 of 4 stars; one submission).

Conditions:
Walker-Warburg congenital muscular dystrophy. Also called: Muscular dystrophy-dystroglycanopathy, type A; Walker-Warburg syndrome. Identifiers: Orphanet 899, MedGen C0265221, MONDO:0000171.
Autosomal recessive limb-girdle muscular dystrophy type 2K. Also called: MUSCULAR DYSTROPHY, LIMB-GIRDLE, TYPE 2K; MUSCULAR DYSTROPHY-DYSTROGLYCANOPATHY (LIMB-GIRDLE), TYPE C, 1. Identifiers: Orphanet 86812, MedGen C1836373, MONDO:0012248, OMIM 609308.
Muscular dystrophy-dystroglycanopathy (congenital with impaired intellectual development), type B, 1. Also called: MUSCULAR DYSTROPHY, CONGENITAL, POMT1-RELATED; Muscular dystrophy-dystroglycanopathy (congenital with intellectual disability), type B1. Identifiers: MedGen C5436962, MONDO:0013159, OMIM 613155.

Submission:

Labcorp Genetics (formerly Invitae), Labcorp
Classification: Uncertain significance for Muscular dystrophy-dystroglycanopathy (congenital with impaired intellectual development), type B, 1; Walker-Warburg congenital muscular dystrophy; Autosomal recessive limb-girdle muscular dystrophy type 2K. Last evaluated: 2023-08-30. Review status: criteria provided, single submitter. Criteria: Invitae Variant Classification Sherloc (09022015). Collection method: clinical testing. Allele origin: germline.
Comment: In summary, the available evidence is currently insufficient to determine the role of this variant in disease. Therefore, it has been classified as a Variant of Uncertain Significance. An algorithm developed to predict the effect of missense changes on protein structure and function (PolyPhen-2) suggests that this variant is likely to be tolerated. ClinVar contains an entry for this variant (Variation ID: 1355769). This variant has not been reported in the literature in individuals affected with POMT1-related conditions. This variant is not present in population databases (gnomAD no frequency). This sequence change replaces methionine, which is neutral and non-polar, with arginine, which is basic and polar, at codon 242 of the POMT1 protein (p.Met242Arg).

NM_001077365.2(POMT1):c.699+26T>G

Gene: POMT1 (protein O-mannosyltransferase 1; plus strand). Cytogenetic location: 9q34.13.
Variant type: single nucleotide variant.
Coding change: c.699+26T>G on transcript NM_001077365.2 (MANE Select); 26 bases into the intron after coding-DNA position 699, T replaced by G.
Molecular consequence: intron variant. On other transcripts: missense variant (7), non-coding transcript variant (1).
Genome position (GRCh38, 1-based): chr9:131,510,022, T>G. VCF-style: chr9-131510022-T-G. GRCh37 (hg19) VCF-style: chr9-134385409-T-G.
Other names: c.725T>G, p.Met242Arg (NM_001353193.2, NM_007171.4); c.563T>G, p.Met188Arg (NM_001353197.2, NM_001353198.2, NM_001374689.1); c.374T>G, p.Met125Arg (NM_001353199.2); c.269T>G, p.Met90Arg (NM_001374695.1); c.699+26T>G (NM_001136113.2, NM_001374690.1); c.537+26T>G (NM_001353194.2, NM_001077366.2, NM_001374693.1); c.348+26T>G (NM_001374691.1, NM_001353195.2, NM_001374692.1 and 1 more transcripts); c.609+26T>G (NM_001353196.2); and 1 more; short protein forms M242R, M188R, M90R, M125R.
Identifiers: ClinVar variation 1355769 (VCV001355769.6), dbSNP rs2131645042, ClinGen allele CA375307515.